The following is an entry in ClinVar:

ClinVar aggregate classification (germline): Likely benign (1 of 4 stars; one submission).

Allele frequency attached by ClinVar (database versions not stated): gnomAD exomes 0.00027; gnomAD 0.00322; TOPMed 0.00358; 1000 Genomes Project 30x 0.00453; 1000 Genomes Project 0.00459.
gnomAD v4.1: 721 of 946,304 alleles (0.076%); highest among the groups gnomAD compares: African/African-American, 1.1%; 3 homozygotes.

Submission:

GeneDx
Classification: Likely benign. Last evaluated: 2021-03-05. Review status: criteria provided, single submitter. Criteria: GeneDx Variant Classification Process June 2021. Collection method: clinical testing. Allele origin: germline. Affected: yes.
Comment: See Variant Classification Assertion Criteria.

NM_173551.5(ANKS6):c.2326+131T>C

Gene: ANKS6 (ankyrin repeat and sterile alpha motif domain containing 6; minus strand). Cytogenetic location: 9q22.33.
Variant type: single nucleotide variant.
Coding change: c.2326+131T>C on transcript NM_173551.5 (MANE Select); 131 bases into the intron after coding-DNA position 2326, T replaced by C.
Molecular consequence: intron variant.
Genome position (GRCh38, 1-based): chr9:98,756,289, A>G on the plus strand (T>C on the coding strand, the complement: ANKS6 is on the minus strand). VCF-style: chr9-98756289-A-G. GRCh37 (hg19) VCF-style: chr9-101518571-A-G.
Identifiers: ClinVar variation 1707149 (VCV001707149.2), dbSNP rs147866090, ClinGen allele CA196827812.